The following is an entry in ClinVar:

ClinVar aggregate classification (germline): Pathogenic (1 of 4 stars; one submission).

Submission:

Labcorp Genetics (formerly Invitae), Labcorp
Classification: Pathogenic. Last evaluated: 2022-06-15. Review status: criteria provided, single submitter. Criteria: Invitae Variant Classification Sherloc (09022015). Collection method: clinical testing. Allele origin: germline.
Comment: For these reasons, this variant has been classified as Pathogenic. This sequence change creates a premature translational stop signal (p.Gln82*) in the GDF5 gene. It is expected to result in an absent or disrupted protein product. Loss-of-function variants in GDF5 are known to be pathogenic (PMID: 8589725, 9288091, 12121354, 12357473, 27577507). This variant is not present in population databases (gnomAD no frequency). This variant has not been reported in the literature in individuals affected with GDF5-related conditions.

Literature cited by the submitters: PubMed 8589725; PubMed 9288091; PubMed 12121354; PubMed 12357473; PubMed 27577507.

NM_000557.5(GDF5):c.244C>T (p.Gln82Ter)

Gene: GDF5 (growth differentiation factor 5; minus strand). Cytogenetic location: 20q11.22.
Variant type: single nucleotide variant.
Coding change: c.244C>T on transcript NM_000557.5 (MANE Select); coding-DNA position 244, C replaced by T.
Protein change: p.Gln82Ter; replaces glutamine 82 with a stop codon.
Molecular consequence: nonsense.
Genome position (GRCh38, 1-based): chr20:35,437,685, G>A on the plus strand (C>T on the coding strand, the complement: GDF5 is on the minus strand). VCF-style: chr20-35437685-G-A. GRCh37 (hg19) VCF-style: chr20-34025465-G-A.
Other names: c.244C>T, p.Gln82Ter (NM_001319138.2); short protein forms Q82*.
Identifiers: ClinVar variation 2004423 (VCV002004423.4), dbSNP rs2515426768, ClinGen allele CA408744510.